The following is an entry in ClinVar:

ClinVar aggregate classification (germline): Uncertain significance (1 of 4 stars; one submission).

Allele frequency attached by ClinVar (database versions not stated): gnomAD exomes 0.00001 and 0.00002; ExAC 0.00002; gnomAD 0.00005 and 0.00006; TOPMed 0.00006; ESP Exome Variant Server 0.00008; 1000 Genomes Project 30x 0.00031; 1000 Genomes Project 0.00040.
gnomAD v4.1: 24 of 1,613,964 alleles (0.0015%); highest among the groups gnomAD compares: African/African-American, 0.021%; no homozygotes.

Submission:

Labcorp Genetics (formerly Invitae), Labcorp
Classification: Uncertain significance. Last evaluated: 2024-08-07. Review status: criteria provided, single submitter. Criteria: Invitae Variant Classification Sherloc (09022015). Collection method: clinical testing. Allele origin: germline.
Comment: This sequence change replaces leucine, which is neutral and non-polar, with proline, which is neutral and non-polar, at codon 252 of the GNPTG protein (p.Leu252Pro). This variant is present in population databases (rs376896298, gnomAD 0.02%). This variant has not been reported in the literature in individuals affected with GNPTG-related conditions. ClinVar contains an entry for this variant (Variation ID: 1383772). Advanced modeling of protein sequence and biophysical properties (such as structural, functional, and spatial information, amino acid conservation, physicochemical variation, residue mobility, and thermodynamic stability) performed at Invitae indicates that this missense variant is not expected to disrupt GNPTG protein function with a negative predictive value of 80%. In summary, the available evidence is currently insufficient to determine the role of this variant in disease. Therefore, it has been classified as a Variant of Uncertain Significance.

NM_032520.5(GNPTG):c.755T>C (p.Leu252Pro)

Gene: GNPTG (N-acetylglucosamine-1-phosphate transferase subunit gamma; plus strand). Cytogenetic location: 16p13.3.
Variant type: single nucleotide variant.
Coding change: c.755T>C on transcript NM_032520.5 (MANE Select); coding-DNA position 755, T replaced by C.
Protein change: p.Leu252Pro; replaces leucine 252 with proline.
Molecular consequence: missense variant.
Genome position (GRCh38, 1-based): chr16:1,362,838, T>C. VCF-style: chr16-1362838-T-C. GRCh37 (hg19) VCF-style: chr16-1412839-T-C.
Other names: short protein forms L252P.
Identifiers: ClinVar variation 1383772 (VCV001383772.4), dbSNP rs376896298, ClinGen allele CA7807938.